The following is an entry in ClinVar:

NM_022095.4(ZNF335):c.2986A>G (p.Thr996Ala)

Gene: ZNF335 (zinc finger protein 335; minus strand). Cytogenetic location: 20q13.12.
Variant type: single nucleotide variant.
Coding change: c.2986A>G on transcript NM_022095.4 (MANE Select); coding-DNA position 2986, A replaced by G.
Protein change: p.Thr996Ala; replaces threonine 996 with alanine.
Molecular consequence: missense variant.
Genome position (GRCh38, 1-based): chr20:45,952,350, T>C on the plus strand (A>G on the coding strand, the complement: ZNF335 is on the minus strand). VCF-style: chr20-45952350-T-C. GRCh37 (hg19) VCF-style: chr20-44580989-T-C.
Other names: short protein forms T996A.
Identifiers: ClinVar variation 712868 (VCV000712868.13), dbSNP rs146217460, ClinGen allele CA9885185.

ClinVar aggregate classification (germline): Benign/Likely benign. Review status: criteria provided, multiple submitters, no conflicts (2 of 4 stars). 3 submissions from 3 submitters: Benign (1); Likely benign (1). 1 of the submissions does not count toward it. Last evaluated 2026-01-05.

Conditions:
ZNF335-related disorder. Also called: ZNF335-related condition.

Allele frequency attached by ClinVar (database versions not stated): ExAC 0.00111; gnomAD 0.00316 and 0.00335; TOPMed 0.00372; 1000 Genomes Project 0.00419; ESP Exome Variant Server 0.00431; 1000 Genomes Project 30x 0.00437.
gnomAD v4.1: 991 of 1,612,676 alleles (0.061%); highest among the groups gnomAD compares: African/African-American, 1.2%; 6 homozygotes.

Submissions (3):

Labcorp Genetics (formerly Invitae), Labcorp
Classification: Benign. Last evaluated: 2026-01-05. Review status: criteria provided, single submitter. Criteria: Invitae Variant Classification Sherloc (09022015). Collection method: clinical testing. Allele origin: germline.

GeneDx
Classification: Likely benign. Last evaluated: 2023-01-06. Review status: criteria provided, single submitter. Criteria: GeneDx Variant Classification Process June 2021. Collection method: clinical testing. Allele origin: germline. Affected: yes.
Comment: See Variant Classification Assertion Criteria.

PreventionGenetics, part of Exact Sciences
Classification: Likely benign for ZNF335-related condition. Last evaluated: 2024-01-05. Review status: no assertion criteria provided. Collection method: clinical testing. Allele origin: germline. Not counted in ClinVar's aggregate classification.
Comment: This variant is classified as likely benign based on ACMG/AMP sequence variant interpretation guidelines (Richards et al. 2015 PMID: 25741868, with internal and published modifications).